The following is an entry in ClinVar:

ClinVar aggregate classification (germline): Uncertain significance (1 of 4 stars; one submission).

gnomAD v4.1: 1 of 1,614,108 alleles (0.000062%); highest among the groups gnomAD compares: Non-Finnish European, 0.000085%; no homozygotes.

Submission:

GeneDx
Classification: Uncertain significance. Last evaluated: 2025-03-06. Review status: criteria provided, single submitter. Criteria: GeneDx Variant Classification Process June 2021. Collection method: clinical testing. Allele origin: germline. Affected: yes.
Comment: Not observed at significant frequency in large population cohorts (gnomAD); In silico analysis supports that this missense variant has a deleterious effect on protein structure/function; Has not been previously published as pathogenic or benign to our knowledge

NM_005412.6(SHMT2):c.431C>T (p.Ser144Phe)

Gene: SHMT2 (serine hydroxymethyltransferase 2; plus strand). Cytogenetic location: 12q13.3.
Variant type: single nucleotide variant.
Coding change: c.431C>T on transcript NM_005412.6 (MANE Select); coding-DNA position 431, C replaced by T.
Protein change: p.Ser144Phe; replaces serine 144 with phenylalanine.
Molecular consequence: missense variant. On other transcripts: non-coding transcript variant (4).
Genome position (GRCh38, 1-based): chr12:57,231,832, C>T. VCF-style: chr12-57231832-C-T. GRCh37 (hg19) VCF-style: chr12-57625615-C-T.
Other names: c.431C>T, p.Ser144Phe (NM_001166356.2); c.368C>T, p.Ser123Phe (NM_001166357.1, NM_001166358.2, NM_001166359.1); short protein forms S123F, S144F.
Identifiers: ClinVar variation 4083423 (VCV004083423.1).